The following is an entry in ClinVar:

ClinVar aggregate classification (germline): Likely pathogenic (1 of 4 stars; one submission).

Conditions:
Hereditary factor VIII deficiency disease (HEMA). Also called: HEMOPHILIA, CLASSIC; AUTOSOMAL HEMOPHILIA A; Hemophilia A; Hemophilia A, congenital; HEM A; Factor 8 deficiency, congenital. Identifiers: Orphanet 98878, MedGen C0019069, MONDO:0010602, OMIM 306700.

Submission:

Neuberg Centre For Genomic Medicine, NCGM
Classification: Likely pathogenic for Hereditary factor VIII deficiency disease. Review status: criteria provided, single submitter. Criteria: ACMG Guidelines, 2015. Collection method: clinical testing. Allele origin: germline. Inheritance: X-linked recessive inheritance. Affected: yes.
Comment: The stop gained p.G469* in F8 (NM_000132.4) has not been reported previously as a pathogenic variant nor as a benign variant, to our knowledge. The p.G469* variant is novel (not in any individuals) in gnomAD Exomes and is novel (not in any individuals) in 1000 Genomes. This variant is predicted to cause loss of normal protein function through protein truncation.Loss of function mutations have been reported to be disease causing. For these reasons, this variant has been classified as Likely Pathogenic.

NM_000132.4(F8):c.1405G>T (p.Gly469Ter)

Gene: F8 (coagulation factor VIII; minus strand). Cytogenetic location: Xq28.
Variant type: single nucleotide variant.
Coding change: c.1405G>T on transcript NM_000132.4 (MANE Select); coding-DNA position 1405, G replaced by T.
Protein change: p.Gly469Ter; replaces glycine 469 with a stop codon.
Molecular consequence: nonsense.
Genome position (GRCh38, 1-based): chrX:154,966,008, C>A on the plus strand (G>T on the coding strand, the complement: F8 is on the minus strand). VCF-style: chrX-154966008-C-A. GRCh37 (hg19) VCF-style: chrX-154194283-C-A.
Other names: short protein forms G469*.
Identifiers: ClinVar variation 2627489 (VCV002627489.1), dbSNP rs2523950236, ClinGen allele CA414914460.